The following is an entry in ClinVar:

ClinVar aggregate classification (germline): Uncertain significance (1 of 4 stars; one submission).

Submission:

Labcorp Genetics (formerly Invitae), Labcorp
Classification: Uncertain significance. Last evaluated: 2021-06-18. Review status: criteria provided, single submitter. Criteria: Invitae Variant Classification Sherloc (09022015). Collection method: clinical testing. Allele origin: germline.
Comment: This sequence change replaces tyrosine with asparagine at codon 3472 of the USH2A protein (p.Tyr3472Asn). The tyrosine residue is highly conserved and there is a large physicochemical difference between tyrosine and asparagine. In summary, the available evidence is currently insufficient to determine the role of this variant in disease. Therefore, it has been classified as a Variant of Uncertain Significance. Algorithms developed to predict the effect of missense changes on protein structure and function (SIFT, PolyPhen-2, Align-GVGD) all suggest that this variant is likely to be disruptive, but these predictions have not been confirmed by published functional studies and their clinical significance is uncertain. This variant has not been reported in the literature in individuals with USH2A-related conditions. This variant is not present in population databases (ExAC no frequency).

NM_206933.4(USH2A):c.10414T>A (p.Tyr3472Asn)

Gene: USH2A (usherin; minus strand). Cytogenetic location: 1q41.
Variant type: single nucleotide variant.
Coding change: c.10414T>A on transcript NM_206933.4 (MANE Select); coding-DNA position 10414, T replaced by A.
Protein change: p.Tyr3472Asn; replaces tyrosine 3472 with asparagine.
Molecular consequence: missense variant.
Genome position (GRCh38, 1-based): chr1:215,782,909, A>T on the plus strand (T>A on the coding strand, the complement: USH2A is on the minus strand). VCF-style: chr1-215782909-A-T. GRCh37 (hg19) VCF-style: chr1-215956251-A-T.
Other names: short protein forms Y3472N.
Identifiers: ClinVar variation 1376303 (VCV001376303.8), dbSNP rs375487139, ClinGen allele CA344838138.